The following is an entry in ClinVar:

ClinVar aggregate classification (germline): Pathogenic. Review status: criteria provided, multiple submitters, no conflicts (2 of 4 stars). 2 submissions from 2 submitters: Pathogenic (2). Last evaluated 2024-03-07.

Conditions:
Hereditary cancer-predisposing syndrome. Also called: Hereditary Cancer Syndrome; Hereditary neoplastic syndrome; Neoplastic Syndromes, Hereditary; Tumor predisposition. Identifiers: Orphanet 140162, MedGen C0027672, MeSH D009386, MONDO:0015356.
Familial adenomatous polyposis 2. Also called: MUTYH-associated polyposis; MUTYH-related attenuated familial adenomatous polyposis; FAP type 2; Adenomas, multiple colorectal; MYH-associated polyposis; MUTYH Polyposis. Identifiers: Orphanet 220460, Orphanet 247798, MedGen C3272841, MONDO:0012041, OMIM 608456.

Submissions (2):

Myriad Genetics, Inc.
Classification: Pathogenic for Familial adenomatous polyposis 2. Last evaluated: 2024-03-07. Review status: criteria provided, single submitter. Criteria: Myriad Autosomal Dominant, Autosomal Recessive and X-Linked Classification Criteria (2023). Collection method: clinical testing. Allele origin: unknown.
Comment: This variant is considered pathogenic. This variant creates a frameshift predicted to result in premature protein truncation.

Ambry Genetics
Classification: Pathogenic for Hereditary cancer-predisposing syndrome. Last evaluated: 2022-10-28. Review status: criteria provided, single submitter. Criteria: Ambry Variant Classification Scheme 2023. Collection method: clinical testing. Allele origin: germline.
Comment: The c.89delC pathogenic mutation, located in coding exon 2 of the MUTYH gene, results from a deletion of one nucleotide at nucleotide position 89, causing a translational frameshift with a predicted alternate stop codon (p.A30Efs*28). This variant is considered to be rare based on population cohorts in the Genome Aggregation Database (gnomAD). This alteration is expected to result in loss of function by premature protein truncation or nonsense-mediated mRNA decay. As such, this alteration is interpreted as a disease-causing mutation.

NM_001048174.2(MUTYH):c.47del (p.Ala16fs)

Gene: MUTYH (mutY DNA glycosylase; minus strand). Cytogenetic location: 1p34.1.
Variant type: Deletion.
Coding change: c.47del on transcript NM_001048174.2 (MANE Select); coding-DNA position 47, one base deleted (C; older notation c.47delC).
Protein change: p.Ala16fs; shifts the reading frame from alanine 16.
Molecular consequence: frameshift variant. On other transcripts: 5 prime UTR variant (4), non-coding transcript variant (2).
Genome position (GRCh38, 1-based): chr1:45,334,459, G deleted on the plus strand (C on the coding strand, the reverse complement: MUTYH is on the minus strand). VCF-style (leftmost placement, unchanged base first): chr1-45334458-TG-T. GRCh37 (hg19) VCF-style: chr1-45800130-TG-T.
Other names: c.47del, p.Ala16fs (NM_001048171.2, NM_001048172.2, NM_001048173.2 and 2 more transcripts); c.89del, p.Ala30fs (NM_001128425.2, NM_001293190.2, NM_012222.3); c.-166del (NM_001293192.2, NM_001293196.2); c.-225del (NM_001350650.2); c.-161del (NM_001350651.2); c.89delC, p.Ala30Glufs (NM_001407069.1, NM_001407073.1); c.47delC, p.Ala16Glufs (NM_001407070.1, NM_001407071.1, NM_001407072.1 and 10 more transcripts); c.-110delC (NM_001407075.1); and 3 more; short protein forms A16fs, A30fs.
Identifiers: ClinVar variation 1765404 (VCV001765404.2), dbSNP rs2524360107, ClinGen allele CA2580063295.